The following is an entry in ClinVar:

NM_001829.4(CLCN3):c.161-19615A>T

Gene: CLCN3 (chloride voltage-gated channel 3; plus strand). Cytogenetic location: 4q33.
Variant type: single nucleotide variant.
Coding change: c.161-19615A>T on transcript NM_001829.4 (MANE Select); 19615 bases into the intron before coding-DNA position 161, A replaced by T.
Molecular consequence: intron variant. On other transcripts: missense variant (1).
Genome position (GRCh38, 1-based): chr4:169,660,435, A>T. VCF-style: chr4-169660435-A-T. GRCh37 (hg19) VCF-style: chr4-170581586-A-T.
Other names: c.66A>T, p.Glu22Asp (NM_001243374.2); c.161-19615A>T (NM_173872.4, NM_001243372.2); short protein forms E22D.
Identifiers: ClinVar variation 3351696 (VCV003351696.1).

ClinVar aggregate classification (germline): Likely benign (0 of 4 stars; one submission).

Conditions:
CLCN3-related disorder. Also called: CLCN3-related condition.

gnomAD v4.1: 1,679 of 1,377,732 alleles (0.12%); highest among the groups gnomAD compares: Non-Finnish European, 0.15%; 2 homozygotes.

Submission:

PreventionGenetics, part of Exact Sciences
Classification: Likely benign for CLCN3-related condition. Last evaluated: 2024-04-17. Review status: no assertion criteria provided. Collection method: clinical testing. Allele origin: germline.
Comment: This variant is classified as likely benign based on ACMG/AMP sequence variant interpretation guidelines (Richards et al. 2015 PMID: 25741868, with internal and published modifications).